The following is an entry in ClinVar:

ClinVar aggregate classification (germline): Uncertain significance. Review status: criteria provided, multiple submitters, no conflicts (2 of 4 stars). 2 submissions from 2 submitters: Uncertain significance (2). Last evaluated 2024-06-11.

Conditions:
Autism spectrum disorder due to AUTS2 deficiency (MRD26). Also called: INTELLECTUAL DEVELOPMENTAL DISORDER, AUTOSOMAL DOMINANT 26. Identifiers: Orphanet 352490, MedGen C4014435, MONDO:0014361, OMIM 615834.

Submissions (2):

Labcorp Genetics (formerly Invitae), Labcorp
Classification: Uncertain significance. Last evaluated: 2024-06-11. Review status: criteria provided, single submitter. Criteria: Invitae Variant Classification Sherloc (09022015). Collection method: clinical testing. Allele origin: germline.
Comment: This sequence change replaces aspartic acid, which is acidic and polar, with valine, which is neutral and non-polar, at codon 248 of the AUTS2 protein (p.Asp248Val). This variant is not present in population databases (gnomAD no frequency). This variant has not been reported in the literature in individuals affected with AUTS2-related conditions. An algorithm developed to predict the effect of missense changes on protein structure and function (PolyPhen-2) suggests that this variant is likely to be tolerated. In summary, the available evidence is currently insufficient to determine the role of this variant in disease. Therefore, it has been classified as a Variant of Uncertain Significance.

Baylor Genetics
Classification: Uncertain significance for Autism spectrum disorder due to AUTS2 deficiency. Last evaluated: 2023-04-18. Review status: criteria provided, single submitter. Criteria: ACMG Guidelines, 2015. Collection method: clinical testing. Allele origin: unknown.

NM_015570.4(AUTS2):c.743A>T (p.Asp248Val)

Gene: AUTS2 (activator of transcription and developmental regulator AUTS2; plus strand). Cytogenetic location: 7q11.22.
Variant type: single nucleotide variant.
Coding change: c.743A>T on transcript NM_015570.4 (MANE Select); coding-DNA position 743, A replaced by T.
Protein change: p.Asp248Val; replaces aspartic acid 248 with valine.
Molecular consequence: missense variant.
Genome position (GRCh38, 1-based): chr7:70,762,870, A>T. VCF-style: chr7-70762870-A-T. GRCh37 (hg19) VCF-style: chr7-70227856-A-T.
Other names: c.743A>T, p.Asp248Val (NM_001127231.3); short protein forms D248V.
Identifiers: ClinVar variation 2582604 (VCV002582604.3), dbSNP rs1789653111, ClinGen allele CA367667094.